The following is an entry in ClinVar:

NM_020919.4(ALS2):c.1156A>G (p.Thr386Ala)

Gene: ALS2 (alsin Rho guanine nucleotide exchange factor ALS2; minus strand). Cytogenetic location: 2q33.1.
Variant type: single nucleotide variant.
Coding change: c.1156A>G on transcript NM_020919.4 (MANE Select); coding-DNA position 1156, A replaced by G.
Protein change: p.Thr386Ala; replaces threonine 386 with alanine.
Molecular consequence: missense variant.
Genome position (GRCh38, 1-based): chr2:201,757,717, T>C on the plus strand (A>G on the coding strand, the complement: ALS2 is on the minus strand). VCF-style: chr2-201757717-T-C. GRCh37 (hg19) VCF-style: chr2-202622440-T-C.
Other names: short protein forms T386A.
Identifiers: ClinVar variation 1307173 (VCV001307173.2), dbSNP rs1693483438, ClinGen allele CA350327127.

ClinVar aggregate classification (germline): Uncertain significance (1 of 4 stars; one submission).

Allele frequency attached by ClinVar (database versions not stated): gnomAD exomes below 0.00001; gnomAD 0.00001.

Submission:

GeneDx
Classification: Uncertain significance. Last evaluated: 2019-07-23. Review status: criteria provided, single submitter. Criteria: GeneDx Variant Classification Process June 2021. Collection method: clinical testing. Allele origin: germline. Affected: yes.
Comment: Not observed in large population cohorts (Lek et al., 2016); In silico analysis, which includes protein predictors and evolutionary conservation, supports that this variant does not alter protein structure/function; Has not been previously published as pathogenic or benign to our knowledge